The following is an entry in ClinVar:

ClinVar aggregate classification (germline): Uncertain significance (0 of 4 stars; one submission).

Conditions:
Prostate cancer. Also called: Malignant tumor of prostate. Identifiers: Orphanet 1331, MedGen C0376358, MONDO:0008315, HP:0012125.

Submission:

Science for Life laboratory,  Karolinska Institutet
Classification: Uncertain significance for Malignant tumor of prostate. Review status: no assertion criteria provided. Collection method: not provided. Allele origin: somatic.
Comment: TumorID:SWE-91A
ClinVar note: Converted during submission from Unknown to Uncertain significance.

NM_001366157.1(WDR49):c.2465C>A (p.Ser822Ter)

Gene: WDR49 (WD repeat domain 49; minus strand). Cytogenetic location: 3q26.1.
Variant type: single nucleotide variant.
Coding change: c.2465C>A on transcript NM_001366157.1 (MANE Select); coding-DNA position 2465, C replaced by A.
Protein change: p.Ser822Ter; replaces serine 822 with a stop codon.
Molecular consequence: nonsense.
Genome position (GRCh38, 1-based): chr3:167,527,959, G>T on the plus strand (C>A on the coding strand, the complement: WDR49 is on the minus strand). VCF-style: chr3-167527959-G-T. GRCh37 (hg19) VCF-style: chr3-167245747-G-T.
Other names: c.2432C>A, p.Ser811Ter (NM_001348951.2, NM_001348952.2); c.1409C>A, p.Ser470Ter (NM_001366158.1); short protein forms S470*, S811*, S822*.
Identifiers: ClinVar variation 161841 (VCV000161841.2), dbSNP rs193921101, ClinGen allele CA174888.